The following is an entry in ClinVar:

ClinVar aggregate classification (germline): Uncertain significance (1 of 4 stars; one submission).

Conditions:
Inborn genetic diseases. Identifiers: MedGen C0950123, MeSH D030342.

Submission:

Ambry Genetics
Classification: Uncertain significance for Inborn genetic diseases. Last evaluated: 2026-04-27. Review status: criteria provided, single submitter. Criteria: Ambry Variant Classification Scheme 2023. Collection method: clinical testing. Allele origin: germline.
Comment: The p.T865A variant (also known as c.2593A>G), located in coding exon 21 of the KDM1A gene, results from an A to G substitution at nucleotide position 2593. The threonine at codon 865 is replaced by alanine, an amino acid with similar properties. This amino acid position is conserved. In addition, this alteration is predicted to be tolerated by in silico analysis. Based on the available evidence, the clinical significance of this variant remains unclear.

NM_001009999.3(KDM1A):c.2593A>G (p.Thr865Ala)

Gene: KDM1A (lysine demethylase 1A; plus strand). Cytogenetic location: 1p36.12.
Variant type: single nucleotide variant.
Coding change: c.2593A>G on transcript NM_001009999.3 (MANE Select); coding-DNA position 2593, A replaced by G.
Protein change: p.Thr865Ala; replaces threonine 865 with alanine.
Molecular consequence: missense variant. On other transcripts: 3 prime UTR variant (1).
Genome position (GRCh38, 1-based): chr1:23,083,326, A>G. VCF-style: chr1-23083326-A-G. GRCh37 (hg19) VCF-style: chr1-23409819-A-G.
Other names: c.2539A>G, p.Thr847Ala (NM_001363654.2); c.2599A>G, p.Thr867Ala (NM_001410762.1); c.*841A>G (NM_001410763.1); c.2521A>G, p.Thr841Ala (NM_015013.4); short protein forms T841A, T847A, T865A, T867A.
Identifiers: ClinVar variation 4858726 (VCV004858726.1).
Genomic context (GRCh38, chr1:23,083,326, plus strand): 5'-GAAGCGGGAAGAATTGCAGACCAGTTTTTGGGGGCCATGTATACGCTGCCTCGCCAGGCC[A>G]CACCAGGTGTTCCTGCACAGCAGTCCCCAAGCATGTGAGACAGATGCATTCTAAGGGAAG-3'
Protein context (NP_001009999.1, residues 855-875): GAMYTLPRQA[Thr865Ala]PGVPAQQSPS